The following is an entry in ClinVar:

ClinVar aggregate classification (germline): Uncertain significance (1 of 4 stars; one submission).

Submission:

Labcorp Genetics (formerly Invitae), Labcorp
Classification: Uncertain significance. Last evaluated: 2023-04-10. Review status: criteria provided, single submitter. Criteria: Invitae Variant Classification Sherloc (09022015). Collection method: clinical testing. Allele origin: germline.
Comment: Experimental studies and prediction algorithms are not available or were not evaluated, and the effect of this variant on mRNA splicing is currently unknown. This variant has not been reported in the literature in individuals affected with HYOU1-related conditions. This variant is not present in population databases (gnomAD no frequency). This sequence change falls in intron 3 of the HYOU1 gene. It does not directly change the encoded amino acid sequence of the HYOU1 protein. In summary, the available evidence is currently insufficient to determine the role of this variant in disease. Therefore, it has been classified as a Variant of Uncertain Significance.

NM_006389.5(HYOU1):c.186-12T>A

Gene: HYOU1 (hypoxia up-regulated 1; minus strand). Cytogenetic location: 11q23.3.
Variant type: single nucleotide variant.
Coding change: c.186-12T>A on transcript NM_006389.5 (MANE Select); 12 bases into the intron before coding-DNA position 186, T replaced by A.
Molecular consequence: intron variant.
Genome position (GRCh38, 1-based): chr11:119,055,583, A>T on the plus strand (T>A on the coding strand, the complement: HYOU1 is on the minus strand). VCF-style: chr11-119055583-A-T. GRCh37 (hg19) VCF-style: chr11-118926295-A-T.
Other names: c.186-12T>A (NM_001130991.3, NM_001411041.1).
Identifiers: ClinVar variation 2852730 (VCV002852730.3), dbSNP rs2497210047, ClinGen allele CA2739271712.
Genomic context (GRCh38, chr11:119,055,583, plus strand): 5'-TTCATTTTCTTTCAGGGTCACGATCACCGGTGTTTTCCTCCGAGATTCCCTGAGGAAAAG[A>T]GATTTTGGGCCCAGGTGCCTGCAGCAGAAGGACTCAGAAGCCTCGACACTCACACACATT-3'